The following is an entry in ClinVar:

ClinVar aggregate classification (germline): Uncertain significance (1 of 4 stars; one submission).

Allele frequency attached by ClinVar (database versions not stated): gnomAD exomes below 0.00001; ExAC 0.00001.
gnomAD v4.1: 1 of 1,613,976 alleles (0.000062%); highest among the groups gnomAD compares: Non-Finnish European, 0.000085%; no homozygotes.

Submission:

GeneDx
Classification: Uncertain significance. Last evaluated: 2023-01-23. Review status: criteria provided, single submitter. Criteria: GeneDx Variant Classification Process June 2021. Collection method: clinical testing. Allele origin: germline. Affected: yes.
Comment: Not observed at significant frequency in large population cohorts (gnomAD); In silico analysis supports that this missense variant does not alter protein structure/function; Has not been previously published as pathogenic or benign to our knowledge

NM_013275.6(ANKRD11):c.2251A>G (p.Lys751Glu)

Gene: ANKRD11 (ankyrin repeat domain containing 11; minus strand). Cytogenetic location: 16q24.3.
Variant type: single nucleotide variant.
Coding change: c.2251A>G on transcript NM_013275.6 (MANE Select); coding-DNA position 2251, A replaced by G.
Protein change: p.Lys751Glu; replaces lysine 751 with glutamic acid.
Molecular consequence: missense variant.
Genome position (GRCh38, 1-based): chr16:89,284,291, T>C on the plus strand (A>G on the coding strand, the complement: ANKRD11 is on the minus strand). VCF-style: chr16-89284291-T-C. GRCh37 (hg19) VCF-style: chr16-89350699-T-C.
Other names: c.2251A>G, p.Lys751Glu (NM_001256182.2, NM_001256183.2); short protein forms K751E.
Identifiers: ClinVar variation 2573882 (VCV002573882.1), dbSNP rs771726034, ClinGen allele CA8242610.